The following is an entry in ClinVar:

ClinVar aggregate classification (germline): Pathogenic (1 of 4 stars; one submission).

Conditions:
Muscular dystrophy-dystroglycanopathy (congenital with brain and eye anomalies), type A, 7. Also called: WALKER-WARBURG SYNDROME OR MUSCLE-EYE-BRAIN DISEASE, ISPD-RELATED; Congenital muscular dystrophy-dystroglycanopathy with brain and eye anomalies, type A7. Identifiers: Orphanet 899, MedGen C3553330, MONDO:0013835, OMIM 614643.
Autosomal recessive limb-girdle muscular dystrophy type 2U. Also called: Muscular dystrophy-dystroglycanopathy (limb-girdle), type c, 7; MUSCULAR DYSTROPHY, LIMB-GIRDLE, TYPE 2U. Identifiers: Orphanet 352479, MedGen C5190987, MONDO:0014474, OMIM 616052.

Submission:

Labcorp Genetics (formerly Invitae), Labcorp
Classification: Pathogenic for Muscular dystrophy-dystroglycanopathy (congenital with brain and eye anomalies), type A, 7; Autosomal recessive limb-girdle muscular dystrophy type 2U. Last evaluated: 2023-12-26. Review status: criteria provided, single submitter. Criteria: Invitae Variant Classification Sherloc (09022015). Collection method: clinical testing. Allele origin: germline.
Comment: This variant is a gross deletion of the genomic region encompassing exon(s) 6-8 of the ISPD gene. This deletion is out-of-frame, and is expected to create a premature termination codon and result in an absent or disrupted protein product. Loss-of-function variants in ISPD are known to be pathogenic (PMID: 23288328). A similar copy number variant has been observed in individual(s) with Walker-Warburg syndrome (PMID: 22522421). For these reasons, this variant has been classified as Pathogenic.

Literature cited by the submitters: PubMed 23288328; PubMed 22522421.

NC_000007.13:g.(?_16297995)_(16317871_?)del

Gene: CRPPA (CDP-L-ribitol pyrophosphorylase A; minus strand). Cytogenetic location: 7p21.2.
Variant type: Deletion.
Identifiers: ClinVar variation 2423710 (VCV002423710.5).